The following is an entry in ClinVar:

NM_000051.4(ATM):c.4287A>C (p.Thr1429=)

Gene: ATM (ATM serine/threonine kinase; plus strand). Cytogenetic location: 11q22.3.
Variant type: single nucleotide variant.
Coding change: c.4287A>C on transcript NM_000051.4 (MANE Select); coding-DNA position 4287, A replaced by C.
Protein change: p.Thr1429=; no amino-acid change (threonine 1429 retained).
Molecular consequence: synonymous variant.
Genome position (GRCh38, 1-based): chr11:108,289,652, A>C. VCF-style: chr11-108289652-A-C. GRCh37 (hg19) VCF-style: chr11-108160379-A-C.
Other names: c.4287A>C, p.Thr1429= (NM_001351834.2).
Identifiers: ClinVar variation 824754 (VCV000824754.5), dbSNP rs1591662793, ClinGen allele CA476673865.
Genomic context (GRCh38, chr11:108,289,652, plus strand): 5'-TATTTTCTAGGATTCCTATCAGAAAATTCTTCTTGCCATATGTGAGCAAGCAGCTGAAAC[A>C]AATAATGTTTATAAGAAGCACAGAATTCTTAAAATATATCACCTGTTTGTTAGTTTATTA-3'
Protein context (NP_000042.3, residues 1419-1439): LLAICEQAAE[Thr1429=]NNVYKKHRIL

ClinVar aggregate classification (germline): Benign/Likely benign. Review status: criteria provided, multiple submitters, no conflicts (2 of 4 stars). 2 submissions from 2 submitters: Benign (1); Likely benign (1). Last evaluated 2024-05-17.

Conditions:
Hereditary cancer-predisposing syndrome. Also called: Neoplastic Syndromes, Hereditary; Tumor predisposition; Hereditary neoplastic syndrome; Hereditary Cancer Syndrome. Identifiers: Orphanet 140162, MedGen C0027672, MeSH D009386, MONDO:0015356.
Familial cancer of breast. Also called: BREAST CANCER, FAMILIAL; Hereditary breast cancer; hereditary breast carcinoma. Identifiers: Orphanet 227535, MedGen C0346153, MONDO:0016419, OMIM 114480. Disease mechanism: loss of function.

Submissions (2):

Myriad Genetics, Inc.
Classification: Benign for Familial cancer of breast. Last evaluated: 2024-05-17. Review status: criteria provided, single submitter. Criteria: Myriad Autosomal Dominant, Autosomal Recessive and X-Linked Classification Criteria (2023). Collection method: clinical testing. Allele origin: unknown.
Comment: This variant is considered benign. This variant is a silent/synonymous amino acid change and it is not expected to impact splicing.

Ambry Genetics
Classification: Likely benign for Hereditary cancer-predisposing syndrome. Last evaluated: 2018-07-17. Review status: criteria provided, single submitter. Criteria: Ambry Variant Classification Scheme 2023. Collection method: clinical testing. Allele origin: germline.